The following is an entry in ClinVar:

ClinVar aggregate classification (germline): Uncertain significance. Review status: criteria provided, multiple submitters, no conflicts (2 of 4 stars). 3 submissions from 3 submitters: Uncertain significance (3). Last evaluated 2025-05-22.

Conditions:
PDE6C-related disorder. Also called: PDE6C-related condition.

Allele frequency attached by ClinVar (database versions not stated): gnomAD exomes below 0.00001 and 0.00001; TOPMed below 0.00001; ExAC 0.00001; gnomAD 0.00001.
gnomAD v4.1: 7 of 1,606,614 alleles (0.00044%); highest among the groups gnomAD compares: African/African-American, 0.0067%; no homozygotes.

Submissions (3):

PreventionGenetics, part of Exact Sciences
Classification: Uncertain significance for PDE6C-related condition. Last evaluated: 2025-05-22. Review status: criteria provided, single submitter. Criteria: ACMG Guidelines, 2015. Collection method: clinical testing. Allele origin: germline.
Comment: The PDE6C c.2222T>C variant is predicted to result in the amino acid substitution p.Val741Ala. To our knowledge, this variant has not been reported in the literature. This variant is present in 0.018% of alleles in individuals of African descent in gnomAD. At this time, the clinical significance of this variant is uncertain due to the absence of conclusive functional and genetic evidence.

Blueprint Genetics
Classification: Uncertain significance. Last evaluated: 2024-10-10. Review status: criteria provided, single submitter. Criteria: ACMG Guidelines, 2015. Collection method: clinical testing. Allele origin: germline.

Labcorp Genetics (formerly Invitae), Labcorp
Classification: Uncertain significance. Last evaluated: 2023-08-10. Review status: criteria provided, single submitter. Criteria: Invitae Variant Classification Sherloc (09022015). Collection method: clinical testing. Allele origin: germline.
Comment: This sequence change replaces valine, which is neutral and non-polar, with alanine, which is neutral and non-polar, at codon 741 of the PDE6C protein (p.Val741Ala). This variant is present in population databases (rs759332523, gnomAD 0.02%). This missense change has been observed in individual(s) with retinal disease (Invitae). ClinVar contains an entry for this variant (Variation ID: 1021777). Advanced modeling of protein sequence and biophysical properties (such as structural, functional, and spatial information, amino acid conservation, physicochemical variation, residue mobility, and thermodynamic stability) performed at Invitae indicates that this missense variant is expected to disrupt PDE6C protein function. In summary, the available evidence is currently insufficient to determine the role of this variant in disease. Therefore, it has been classified as a Variant of Uncertain Significance.

NM_006204.4(PDE6C):c.2222T>C (p.Val741Ala)

Gene: PDE6C (phosphodiesterase 6C; plus strand). Cytogenetic location: 10q23.33.
Variant type: single nucleotide variant.
Coding change: c.2222T>C on transcript NM_006204.4 (MANE Select); coding-DNA position 2222, T replaced by C.
Protein change: p.Val741Ala; replaces valine 741 with alanine.
Molecular consequence: missense variant.
Genome position (GRCh38, 1-based): chr10:93,662,072, T>C. VCF-style: chr10-93662072-T-C. GRCh37 (hg19) VCF-style: chr10-95421829-T-C.
Other names: c.2222T>C (NM_006204.3); short protein forms V741A.
Identifiers: ClinVar variation 1021777 (VCV001021777.10), dbSNP rs759332523, ClinGen allele CA5610452.
Genomic context (GRCh38, chr10:93,662,072, plus strand): 5'-CTCTATTCATAAGTGGATTTAGTGAACCAAGCCTTTCTCATTTGCAGGTAGCACTTATGG[T>C]TGCAAATGAATTTTGGGAACAAGGAGATCTGGAGAGAACAGTGTTGCAGCAACAACCCAT-3'
Protein context (NP_006195.3, residues 731-751): WEVQSQVALM[Val741Ala]ANEFWEQGDL